The following is an entry in ClinVar:

ClinVar aggregate classification (germline): Benign. Review status: reviewed by expert panel (3 of 4 stars). 11 submissions from 11 submitters: Benign (1). 10 of the submissions do not count toward it. Last evaluated 2023-11-14.

Conditions:
Severe combined immunodeficiency due to DCLRE1C deficiency (RS-SCID). Also called: SCID, AUTOSOMAL RECESSIVE, T CELL-NEGATIVE, B CELL-NEGATIVE, NK CELL-POSITIVE, WITH SENSITIVITY TO IONIZING RADIATION. Identifiers: Orphanet 275, MedGen C1865371, MONDO:0011225, OMIM 602450.
Athabaskan severe combined immunodeficiency (SCIDA). Also called: Severe combined immunodeficiency, athabascan-type. Identifiers: MedGen C1865370.
Histiocytic medullary reticulosis. Also called: SEVERE COMBINED IMMUNODEFICIENCY WITH HYPEREOSINOPHILIA; Omenn syndrome. Identifiers: Orphanet 39041, MedGen C2700553, MONDO:0011338, OMIM 603554.

Allele frequency attached by ClinVar (database versions not stated): gnomAD exomes 0.00275; ExAC 0.00340; gnomAD 0.01045 and 0.01123; 1000 Genomes Project 0.01158; TOPMed 0.01212; ESP Exome Variant Server 0.01269; 1000 Genomes Project 30x 0.01343.
gnomAD v4.1: 3,190 of 1,613,084 alleles (0.2%); highest among the groups gnomAD compares: African/African-American, 3.6%; 43 homozygotes.

Submissions (17):

ClinGen Severe Combined Immunodeficiency Variant Curation Expert Panel, ClinGen
Classification: Benign for Severe combined immunodeficiency due to DCLRE1C deficiency. Last evaluated: 2023-11-14. Review status: reviewed by expert panel. Criteria: ClinGen SCID ACMG Specifications DCLRE1C V1.0.0. Collection method: curation. Allele origin: germline. Inheritance: Autosomal recessive inheritance.
Comment: The NM_001033855.3:c.959C>G variant in DCLRE1C is a missense variant predicted to cause substitution of serine by cysteine at amino acid 320 (p.Ser320Cys). This variant has an allele frequency of 0.03553 in the African / African American population in gnomAD, which is above the threshold for BA1 set by the ClinGen SCID VCEP for DCLRE1C (>0.00346). In addition, 16 adult homozygous individuals with this variant are present in gnomAD v2.1.1 (in African/African American population)(BS2_Supporting). In summary, this variant meets the criteria to be classified as Benign for autosomal recessive SCID based on the ACMG criteria applied: BA1 and BS2_Supporting as specified by the ClinGen SCID VCEP (VCEP specifications version 1).

CeGaT Center for Human Genetics Tuebingen
Classification: Benign. Last evaluated: 2026-09-01. Review status: criteria provided, single submitter. Criteria: CeGaT Center For Human Genetics Tuebingen Variant Classification Criteria Version 2. Collection method: clinical testing. Allele origin: germline. Affected: yes. Observed: 5 variant alleles. Not counted in ClinVar's aggregate classification.
Comment: DCLRE1C: BS1, BS2

Labcorp Genetics (formerly Invitae), Labcorp
Classification: Benign for Athabaskan severe combined immunodeficiency. Last evaluated: 2026-02-04. Review status: criteria provided, single submitter. Criteria: Invitae Variant Classification Sherloc (09022015). Collection method: clinical testing. Allele origin: germline. Not counted in ClinVar's aggregate classification.

Blueprint Genetics
Classification: Likely benign. Last evaluated: 2024-11-13. Review status: criteria provided, single submitter. Criteria: ACMG Guidelines, 2015. Collection method: clinical testing. Allele origin: germline. Not counted in ClinVar's aggregate classification.

Mayo Clinic Laboratories, Mayo Clinic
Classification: Benign. Last evaluated: 2022-05-24. Review status: criteria provided, single submitter. Criteria: ACMG Guidelines, 2015. Collection method: clinical testing. Allele origin: germline. Observed: 6 variant alleles. Not counted in ClinVar's aggregate classification.
Comment: BS1, BS2

ARUP Laboratories, Molecular Genetics and Genomics, ARUP Laboratories
Classification: Benign. Last evaluated: 2020-08-27. Review status: criteria provided, single submitter. Criteria: ARUP Molecular Germline Variant Investigation Process. Collection method: clinical testing. Allele origin: germline. Not counted in ClinVar's aggregate classification.

GeneDx
Classification: Benign. Last evaluated: 2018-12-17. Review status: criteria provided, single submitter. Criteria: GeneDx Variant Classification Process June 2021. Collection method: clinical testing. Allele origin: germline. Affected: yes. Not counted in ClinVar's aggregate classification.
Comment: This variant is associated with the following publications: (PMID: 26915675)

Illumina Laboratory Services, Illumina
Classification: Benign for Histiocytic medullary reticulosis. Last evaluated: 2018-01-12. Review status: criteria provided, single submitter. Criteria: ICSL Variant Classification Criteria 13 December 2019. Collection method: clinical testing. Allele origin: germline. Not counted in ClinVar's aggregate classification.
Comment: This variant was observed in the ICSL laboratory as part of a predisposition screen in an ostensibly healthy population. It had not been previously curated by ICSL or reported in the Human Gene Mutation Database (HGMD: prior to June 1st, 2018), and was therefore a candidate for classification through an automated scoring system. Utilizing variant allele frequency, disease prevalence and penetrance estimates, and inheritance mode, an automated score was calculated to assess if this variant is too frequent to cause the disease. Based on the score and internal cut-off values, a variant classified as benign is not then subjected to further curation. The score for this variant resulted in a classification of benign for this disease.

Breakthrough Genomics
Classification: Benign. Review status: criteria provided, single submitter. Criteria: ACMG Guidelines, 2015. Collection method: not provided. Allele origin: germline. Inheritance: Autosomal recessive inheritance. Affected: yes. Not counted in ClinVar's aggregate classification.

Genomic Medicine Center of Excellence, King Faisal Specialist Hospital and Research Centre
Classification: Likely pathogenic. Review status: criteria provided, single submitter. Criteria: ACMG Guidelines, 2015. Collection method: research. Allele origin: germline. Affected: yes. Not counted in ClinVar's aggregate classification.

Natera, Inc.
Classification: Likely benign for Athabascan severe combined immunodeficiency. Last evaluated: 2019-11-12. Review status: no assertion criteria provided. Collection method: clinical testing. Allele origin: germline. Not counted in ClinVar's aggregate classification.

Dr. Peter K. Rogan Lab, Western University
No classification provided (evidence only). Condition: Clear cell carcinoma of kidney. Review status: no classification provided. Collection method: in vitro. Allele origin: not applicable. Functional consequence: skipped exon. Not counted in ClinVar's aggregate classification.

Dr. Peter K. Rogan Lab, Western University
No classification provided (evidence only). Condition: Clear cell carcinoma of kidney. Review status: no classification provided. Collection method: in vitro. Allele origin: not applicable. Functional consequence: retained intron. Not counted in ClinVar's aggregate classification.

Dr. Peter K. Rogan Lab, Western University
No classification provided (evidence only). Condition: Acute myeloid leukemia. Review status: no classification provided. Collection method: in vitro. Allele origin: not applicable. Functional consequence: retained intron. Not counted in ClinVar's aggregate classification.

Dr. Peter K. Rogan Lab, Western University
No classification provided (evidence only). Condition: Colorectal cancer. Review status: no classification provided. Collection method: in vitro. Allele origin: not applicable. Functional consequence: skipped exon. Not counted in ClinVar's aggregate classification.

Dr. Peter K. Rogan Lab, Western University
No classification provided (evidence only). Condition: Uterine corpus endometrial carcinoma. Review status: no classification provided. Collection method: in vitro. Allele origin: not applicable. Functional consequence: retained intron. Not counted in ClinVar's aggregate classification.

Dr. Peter K. Rogan Lab, Western University
No classification provided (evidence only). Condition: Cervical cancer. Review status: no classification provided. Collection method: in vitro. Allele origin: not applicable. Functional consequence: retained intron. Not counted in ClinVar's aggregate classification.

NM_001033855.3(DCLRE1C):c.959C>G (p.Ser320Cys)

Gene: DCLRE1C (DNA cross-link repair 1C; minus strand). Cytogenetic location: 10p13.
Variant type: single nucleotide variant.
Coding change: c.959C>G on transcript NM_001033855.3 (MANE Select); coding-DNA position 959, C replaced by G.
Protein change: p.Ser320Cys; replaces serine 320 with cysteine.
Molecular consequence: missense variant. On other transcripts: non-coding transcript variant (3).
Genome position (GRCh38, 1-based): chr10:14,926,856, G>C on the plus strand (C>G on the coding strand, the complement: DCLRE1C is on the minus strand). VCF-style: chr10-14926856-G-C. GRCh37 (hg19) VCF-style: chr10-14968855-G-C.
Other names: p.S320C:TCC>TGC; NM_001033855.3(DCLRE1C):c.959C>G; c.599C>G, p.Ser200Cys (NM_001033857.3, NM_001033858.3, NM_001289077.2 and 2 more transcripts); c.614C>G, p.Ser205Cys (NM_001289076.2, NM_001289078.2, NM_001350966.2 and 1 more transcripts); c.959C>G, p.Ser320Cys (NM_001350965.2); short protein forms S320C, S205C, S200C.
Identifiers: ClinVar variation 137073 (VCV000137073.52), dbSNP rs41298896, ClinGen allele CA290573.